The following is an entry in ClinVar:

ClinVar aggregate classification (germline): Uncertain significance (1 of 4 stars; one submission).

Conditions:
Familial cancer of breast. Also called: Hereditary breast cancer; BREAST CANCER, FAMILIAL; hereditary breast carcinoma. Identifiers: Orphanet 227535, MedGen C0346153, MONDO:0016419, OMIM 114480. Disease mechanism: loss of function.

Submission:

Labcorp Genetics (formerly Invitae), Labcorp
Classification: Uncertain significance for Familial cancer of breast. Last evaluated: 2023-06-02. Review status: criteria provided, single submitter. Criteria: Invitae Variant Classification Sherloc (09022015). Collection method: clinical testing. Allele origin: germline.
Comment: In summary, the available evidence is currently insufficient to determine the role of this variant in disease. Therefore, it has been classified as a Variant of Uncertain Significance. An algorithm developed to predict the effect of missense changes on protein structure and function (PolyPhen-2) suggests that this variant is likely to be tolerated. This variant has not been reported in the literature in individuals affected with PALB2-related conditions. This variant is not present in population databases (gnomAD no frequency). This sequence change replaces valine, which is neutral and non-polar, with glycine, which is neutral and non-polar, at codon 163 of the PALB2 protein (p.Val163Gly).

NM_024675.4(PALB2):c.488T>G (p.Val163Gly)

Gene: PALB2 (partner and localizer of BRCA2; minus strand). Cytogenetic location: 16p12.2.
Variant type: single nucleotide variant.
Coding change: c.488T>G on transcript NM_024675.4 (MANE Select); coding-DNA position 488, T replaced by G.
Protein change: p.Val163Gly; replaces valine 163 with glycine.
Molecular consequence: missense variant. On other transcripts: 5 prime UTR variant (8), intron variant (3).
Genome position (GRCh38, 1-based): chr16:23,636,058, A>C on the plus strand (T>G on the coding strand, the complement: PALB2 is on the minus strand). VCF-style: chr16-23636058-A-C. GRCh37 (hg19) VCF-style: chr16-23647379-A-C.
Other names: c.428T>G, p.Val143Gly (NM_001407296.1); c.488T>G, p.Val163Gly (NM_001407297.1, NM_001407298.1, NM_001407299.1 and 3 more transcripts); c.-398T>G (NM_001407304.1, NM_001407305.1, NM_001407306.1 and 5 more transcripts); c.48+5052T>G (NM_001407314.1); c.-105+5052T>G (NM_001407313.1, NM_001407312.1); short protein forms V163G, V143G.
Identifiers: ClinVar variation 2756848 (VCV002756848.3), dbSNP rs2142442214, ClinGen allele CA395137087.